The following is an entry in ClinVar:

ClinVar aggregate classification (germline): Benign/Likely benign. Review status: criteria provided, multiple submitters, no conflicts (2 of 4 stars). 5 submissions from 5 submitters: Benign (2); Likely benign (3). Last evaluated 2026-02-02.

Conditions:
Congenital secretory diarrhea, chloride type (DIAR1). Also called: DIARRHEA 1, SECRETORY CHLORIDE, CONGENITAL; CHLORIDORRHEA, CONGENITAL; CHLORIDE DIARRHEA, CONGENITAL, FINNISH TYPE. Identifiers: Orphanet 53689, MedGen C0267662, MONDO:0008964, OMIM 214700.

Allele frequency attached by ClinVar (database versions not stated): gnomAD exomes 0.00125 and 0.00337; ExAC 0.00429; gnomAD 0.01228 and 0.01309; ESP Exome Variant Server 0.01415; TOPMed 0.01458; 1000 Genomes Project 0.01478; 1000 Genomes Project 30x 0.01562.
gnomAD v4.1: 3,801 of 1,614,090 alleles (0.24%); highest among the groups gnomAD compares: African/African-American, 4.5%; 96 homozygotes.

Submissions (5):

Labcorp Genetics (formerly Invitae), Labcorp
Classification: Benign. Last evaluated: 2026-02-02. Review status: criteria provided, single submitter. Criteria: Invitae Variant Classification Sherloc (09022015). Collection method: clinical testing. Allele origin: germline.

Blueprint Genetics
Classification: Likely benign. Last evaluated: 2024-11-26. Review status: criteria provided, single submitter. Criteria: ACMG Guidelines, 2015. Collection method: clinical testing. Allele origin: germline.

GeneDx
Classification: Benign. Last evaluated: 2020-06-17. Review status: criteria provided, single submitter. Criteria: GeneDx Variant Classification Process June 2021. Collection method: clinical testing. Allele origin: germline. Affected: yes.
Comment: This variant is associated with the following publications: (PMID: 29079751)

Illumina Laboratory Services, Illumina
Classification: Likely benign for Congenital secretory diarrhea, chloride type. Last evaluated: 2017-04-27. Review status: criteria provided, single submitter. Criteria: ICSL Variant Classification Criteria 13 December 2019. Collection method: clinical testing. Allele origin: germline.
Comment: This variant was observed as part of a predisposition screen in an ostensibly healthy population. A literature search was performed for the gene, cDNA change, and amino acid change (where applicable). No publications were found based on this search. Allele frequency data from public databases allowed determination this variant is unlikely to cause disease. Therefore, this variant is classified as likely benign.

Breakthrough Genomics
Classification: Likely benign. Review status: criteria provided, single submitter. Criteria: ACMG Guidelines, 2015. Collection method: not provided. Allele origin: germline. Inheritance: Autosomal recessive inheritance. Affected: yes.

NM_000111.3(SLC26A3):c.241A>G (p.Ile81Val)

Gene: SLC26A3 (solute carrier family 26 member 3; minus strand). Cytogenetic location: 7q22.3.
Variant type: single nucleotide variant.
Coding change: c.241A>G on transcript NM_000111.3 (MANE Select); coding-DNA position 241, A replaced by G.
Protein change: p.Ile81Val; replaces isoleucine 81 with valine.
Molecular consequence: missense variant.
Genome position (GRCh38, 1-based): chr7:107,793,772, T>C on the plus strand (A>G on the coding strand, the complement: SLC26A3 is on the minus strand). VCF-style: chr7-107793772-T-C. GRCh37 (hg19) VCF-style: chr7-107434217-T-C.
Other names: short protein forms I81V.
Identifiers: ClinVar variation 358559 (VCV000358559.18), dbSNP rs116793431, ClinGen allele CA4434214.